The following is an entry in ClinVar:

NM_000404.4(GLB1):c.1147A>T (p.Lys383Ter)

Gene: GLB1 (galactosidase beta 1; minus strand). Cytogenetic location: 3p22.3.
Variant type: single nucleotide variant.
Coding change: c.1147A>T on transcript NM_000404.4 (MANE Select); coding-DNA position 1147, A replaced by T.
Protein change: p.Lys383Ter; replaces lysine 383 with a stop codon.
Molecular consequence: nonsense.
Genome position (GRCh38, 1-based): chr3:33,021,652, T>A on the plus strand (A>T on the coding strand, the complement: GLB1 is on the minus strand). VCF-style: chr3-33021652-T-A. GRCh37 (hg19) VCF-style: chr3-33063144-T-A.
Other names: c.1057A>T, p.Lys353Ter (NM_001079811.3); c.754A>T, p.Lys252Ter (NM_001135602.3); c.1291A>T, p.Lys431Ter (NM_001317040.2); c.1147A>T, p.Lys383Ter (NM_001393580.1); short protein forms K383*, K353*, K431*, K252*.
Identifiers: ClinVar variation 2164182 (VCV002164182.5), dbSNP rs1559385963, ClinGen allele CA351993468.

ClinVar aggregate classification (germline): Pathogenic/Likely pathogenic. Review status: criteria provided, multiple submitters, no conflicts (2 of 4 stars). 2 submissions from 2 submitters: Pathogenic (1); Likely pathogenic (1). Last evaluated 2024-04-04.

Conditions:
Mucopolysaccharidosis, MPS-IV-B (MPS4B). Also called: Mucopolysaccharidosis type IV B; Mucopolysaccharidosis Type IVB; Mucopolysaccharidosis type IVB (Morquio); MPS IVB; MORQUIO SYNDROME B; Mucopolysaccharidosis Type IVB (Morquio B Disease). Identifiers: Orphanet 309310, Orphanet 582, MedGen C0086652, MONDO:0009660, OMIM 253010.
GM1 gangliosidosis. Identifiers: Orphanet 354, MedGen C0085131, MONDO:0018149.
GM1 gangliosidosis type 2. Also called: Gangliosidosis, Generalized GM1, Type 2; Juvenile GM>1< gangliosidosis; GM1-GANGLIOSIDOSIS, TYPE II; GANGLIOSIDOSIS, GENERALIZED GM1, JUVENILE TYPE; GANGLIOSIDOSIS, GENERALIZED GM1, TYPE II. Identifiers: Orphanet 354, Orphanet 79256, MedGen C0268272, MONDO:0009261, OMIM 230600.
GM1 gangliosidosis type 3. Also called: Gangliosidosis, Generalized GM1, Type 3; Beta-galactosidase deficiency; Adult GM1 gangliosidosis; Type 3 (adult) GM1 gangliosidosis; GM1-GANGLIOSIDOSIS, TYPE III; GANGLIOSIDOSIS, GENERALIZED GM1, ADULT TYPE. Identifiers: Orphanet 79257, MedGen C0268273, MONDO:0009262, OMIM 230650.
Infantile GM1 gangliosidosis. Also called: Gangliosidosis, Generalized GM1, Type 1; GM1 gangliosidosis type 1; GM1-gangliosidosis, type I; Gangliosidosis, generalized GM1, infantile form; GLB1 deficiency. Identifiers: Orphanet 354, Orphanet 79255, MedGen C0268271, MONDO:0009260, OMIM 230500.

Allele frequency attached by ClinVar (database versions not stated): gnomAD exomes below 0.00001.
gnomAD v4.1: 1 of 1,613,676 alleles (0.000062%); highest among the groups gnomAD compares: East Asian, 0.0022%; no homozygotes.

Submissions (2):

Fulgent Genetics
Classification: Likely pathogenic for Infantile GM1 gangliosidosis; GM1 gangliosidosis type 2; GM1 gangliosidosis type 3; Mucopolysaccharidosis, MPS-IV-B. Last evaluated: 2024-04-04. Review status: criteria provided, single submitter. Criteria: ACMG Guidelines, 2015. Collection method: clinical testing. Allele origin: germline.

Labcorp Genetics (formerly Invitae), Labcorp
Classification: Pathogenic for Mucopolysaccharidosis, MPS-IV-B; GM1 gangliosidosis. Last evaluated: 2022-08-05. Review status: criteria provided, single submitter. Criteria: Invitae Variant Classification Sherloc (09022015). Collection method: clinical testing. Allele origin: germline.
Comment: For these reasons, this variant has been classified as Pathogenic. This variant has not been reported in the literature in individuals affected with GLB1-related conditions. This variant is not present in population databases (gnomAD no frequency). This sequence change creates a premature translational stop signal (p.Lys383*) in the GLB1 gene. It is expected to result in an absent or disrupted protein product. Loss-of-function variants in GLB1 are known to be pathogenic (PMID: 18524657).

Literature cited by the submitters: PubMed 18524657 (cited by Labcorp Genetics (formerly Invitae), Labcorp).